The following is an entry in ClinVar:

NM_002637.4(PHKA1):c.3297+4A>T

Gene: PHKA1 (phosphorylase kinase regulatory subunit alpha 1; minus strand). Cytogenetic location: Xq13.1.
Variant type: single nucleotide variant.
Coding change: c.3297+4A>T on transcript NM_002637.4 (MANE Select); 4 bases into the intron after coding-DNA position 3297, A replaced by T.
Molecular consequence: intron variant.
Genome position (GRCh38, 1-based): chrX:72,584,245, T>A on the plus strand (A>T on the coding strand, the complement: PHKA1 is on the minus strand). VCF-style: chrX-72584245-T-A. GRCh37 (hg19) VCF-style: chrX-71804095-T-A.
Other names: c.3081+4A>T (NM_001440788.1, NM_001172436.2); c.3258+4A>T (NM_001440787.1, NM_001122670.2); c.3348+4A>T (NM_001431068.1).
Identifiers: ClinVar variation 4714275 (VCV004714275.1).

ClinVar aggregate classification (germline): Uncertain significance (1 of 4 stars; one submission).

Conditions:
Glycogen storage disease IXd (GSD9D). Also called: Muscle Phosphorylase Kinase Deficiency; GSD IXd. Identifiers: Orphanet 715, MedGen C1845151, MONDO:0010362, OMIM 300559.

Submission:

Labcorp Genetics (formerly Invitae), Labcorp
Classification: Uncertain significance for Glycogen storage disease IXd. Last evaluated: 2025-03-04. Review status: criteria provided, single submitter. Criteria: Invitae Variant Classification Sherloc (09022015). Collection method: clinical testing. Allele origin: germline.
Comment: This sequence change falls in intron 30 of the PHKA1 gene. It does not directly change the encoded amino acid sequence of the PHKA1 protein. It affects a nucleotide within the consensus splice site. This variant is not present in population databases (gnomAD no frequency). This variant has not been reported in the literature in individuals affected with PHKA1-related conditions. Variants that disrupt the consensus splice site are a relatively common cause of aberrant splicing (PMID: 17576681, 9536098). Algorithms developed to predict the effect of sequence changes on RNA splicing suggest that this variant is not likely to affect RNA splicing. In summary, the available evidence is currently insufficient to determine the role of this variant in disease. Therefore, it has been classified as a Variant of Uncertain Significance.

Literature cited by the submitters: PubMed 17576681; PubMed 9536098.